The following is an entry in ClinVar:

NM_001875.5(CPS1):c.1774C>A (p.Leu592Met)

Gene: CPS1 (carbamoyl-phosphate synthase 1; plus strand). Cytogenetic location: 2q34.
Variant type: single nucleotide variant.
Coding change: c.1774C>A on transcript NM_001875.5 (MANE Select); coding-DNA position 1774, C replaced by A.
Protein change: p.Leu592Met; replaces leucine 592 with methionine.
Molecular consequence: missense variant. On other transcripts: non-coding transcript variant (2).
Genome position (GRCh38, 1-based): chr2:210,602,268, C>A. VCF-style: chr2-210602268-C-A. GRCh37 (hg19) VCF-style: chr2-211466992-C-A.
Other names: c.1774C>A, p.Leu592Met (NM_001122633.3, NM_001369257.1); c.1807C>A, p.Leu603Met (NM_001369256.1); short protein forms L592M, L603M.
Identifiers: ClinVar variation 4279031 (VCV004279031.1).

ClinVar aggregate classification (germline): Likely pathogenic (1 of 4 stars; one submission).

Conditions:
Congenital hyperammonemia, type I. Also called: CPS I DEFICIENCY; Carbamoyl phosphate synthetase 1 deficiency; Hyperammonemia due to carbamoyl phosphate synthetase 1 deficiency; CPS 1 deficiency; Carbamyl phosphate synthetase (CPS) deficiency; Carbamoyl-phosphate synthase I deficiency. Identifiers: Orphanet 147, MedGen C4082171, MONDO:0009376, OMIM 237300.

Submission:

Institute of Human Genetics, University of Leipzig Medical Center
Classification: Likely pathogenic for Congenital hyperammonemia, type I. Last evaluated: 2025-08-18. Review status: criteria provided, single submitter. Criteria: ACMG Guidelines, 2015. Collection method: clinical testing. Allele origin: unknown. Inheritance: Autosomal recessive inheritance. Affected: yes.
Comment: Criteria applied: PM1,PM2,PM5,PP3